The following is an entry in ClinVar:

ClinVar aggregate classification (germline): Uncertain significance. Review status: criteria provided, multiple submitters, no conflicts (2 of 4 stars). 2 submissions from 2 submitters: Uncertain significance (2). Last evaluated 2026-10-17.

Conditions:
Epilepsy, childhood absence, susceptibility to, 5. Identifiers: Orphanet 64280, MedGen C2677087, MONDO:0012843, OMIM 612269.
Epilepsy, childhood absence, susceptibility to, 1. Also called: Epilepsy, childhood absence 1. Identifiers: Orphanet 64280, MedGen C1838604, MONDO:0020759, OMIM 600131.

Submissions (2):

GeneDx
Classification: Uncertain significance. Last evaluated: 2026-10-17. Review status: criteria provided, single submitter. Criteria: GeneDx Variant Classification Process June 2021. Collection method: clinical testing. Allele origin: germline.
Comment: Not observed at significant frequency in large population cohorts (gnomAD); In silico analysis supports that this missense variant has a deleterious effect on protein structure/function; Has not been previously published as pathogenic or benign to our knowledge; This variant is associated with the following publications: (PMID: 38014242)

Labcorp Genetics (formerly Invitae), Labcorp
Classification: Uncertain significance for Epilepsy, childhood absence, susceptibility to, 5; Epilepsy, childhood absence, susceptibility to, 1. Last evaluated: 2021-06-24. Review status: criteria provided, single submitter. Criteria: Invitae Variant Classification Sherloc (09022015). Collection method: clinical testing. Allele origin: germline.
Comment: In summary, the available evidence is currently insufficient to determine the role of this variant in disease. Therefore, it has been classified as a Variant of Uncertain Significance. Advanced modeling of protein sequence and biophysical properties (such as structural, functional, and spatial information, amino acid conservation, physicochemical variation, residue mobility, and thermodynamic stability) performed at Invitae indicates that this missense variant is expected to disrupt GABRB3 protein function. This variant has not been reported in the literature in individuals with GABRB3-related conditions. This variant is not present in population databases (ExAC no frequency). This sequence change replaces alanine with threonine at codon 320 of the GABRB3 protein (p.Ala320Thr). The alanine residue is highly conserved and there is a small physicochemical difference between alanine and threonine.

NM_000814.6(GABRB3):c.958G>A (p.Ala320Thr)

Gene: GABRB3 (gamma-aminobutyric acid type A receptor subunit beta3; minus strand). Cytogenetic location: 15q12.
Variant type: single nucleotide variant.
Coding change: c.958G>A on transcript NM_000814.6 (MANE Select); coding-DNA position 958, G replaced by A.
Protein change: p.Ala320Thr; replaces alanine 320 with threonine.
Molecular consequence: missense variant.
Genome position (GRCh38, 1-based): chr15:26,561,054, C>T on the plus strand (G>A on the coding strand, the complement: GABRB3 is on the minus strand). VCF-style: chr15-26561054-C-T. GRCh37 (hg19) VCF-style: chr15-26806201-C-T.
Other names: c.958G>A (NM_000814.5); c.703G>A, p.Ala235Thr (NM_001191320.2, NM_001278631.2); c.745G>A, p.Ala249Thr (NM_001191321.3); c.958G>A, p.Ala320Thr (NM_021912.5); short protein forms A235T, A320T, A249T.
Identifiers: ClinVar variation 1482186 (VCV001482186.10), dbSNP rs2140680027, ClinGen allele CA391461869.